The following is an entry in ClinVar:

ClinVar aggregate classification (germline): Uncertain significance (1 of 4 stars; one submission).

gnomAD v4.1: 1 of 1,613,940 alleles (0.000062%); no homozygotes.

Submission:

Labcorp Genetics (formerly Invitae), Labcorp
Classification: Uncertain significance. Last evaluated: 2022-09-15. Review status: criteria provided, single submitter. Criteria: Invitae Variant Classification Sherloc (09022015). Collection method: clinical testing. Allele origin: germline.
Comment: This variant has not been reported in the literature in individuals affected with PCLO-related conditions. Algorithms developed to predict the effect of missense changes on protein structure and function are either unavailable or do not agree on the potential impact of this missense change (SIFT: "Tolerated"; PolyPhen-2: "Not Available"; Align-GVGD: "Class C0"). In summary, the available evidence is currently insufficient to determine the role of this variant in disease. Therefore, it has been classified as a Variant of Uncertain Significance. This variant is not present in population databases (gnomAD no frequency). This sequence change replaces serine, which is neutral and polar, with proline, which is neutral and non-polar, at codon 2033 of the PCLO protein (p.Ser2033Pro).

NM_033026.6(PCLO):c.6097T>C (p.Ser2033Pro)

Gene: PCLO (piccolo presynaptic cytomatrix protein; minus strand). Cytogenetic location: 7q21.11.
Variant type: single nucleotide variant.
Coding change: c.6097T>C on transcript NM_033026.6 (MANE Select); coding-DNA position 6097, T replaced by C.
Protein change: p.Ser2033Pro; replaces serine 2033 with proline.
Molecular consequence: missense variant.
Genome position (GRCh38, 1-based): chr7:82,954,856, A>G on the plus strand (T>C on the coding strand, the complement: PCLO is on the minus strand). VCF-style: chr7-82954856-A-G. GRCh37 (hg19) VCF-style: chr7-82584172-A-G.
Other names: c.6097T>C, p.Ser2033Pro (NM_014510.3); short protein forms S2033P.
Identifiers: ClinVar variation 2008640 (VCV002008640.4), dbSNP rs1795468396, ClinGen allele CA367920690.